The following is an entry in ClinVar:

ClinVar aggregate classification (germline): Uncertain significance (1 of 4 stars; one submission).

Conditions:
Hypertrophic cardiomyopathy. Also called: HYPERTROPHIC MYOCARDIOPATHY. Identifiers: Orphanet 217569, MedGen C0007194, MeSH D002312, MONDO:0005045, HP:0001639.

Submission:

Labcorp Genetics (formerly Invitae), Labcorp
Classification: Uncertain significance for Hypertrophic cardiomyopathy. Last evaluated: 2016-08-30. Review status: criteria provided, single submitter. Criteria: Invitae Variant Classification Sherloc (09022015). Collection method: clinical testing. Allele origin: germline.
Comment: This variant is a gross duplication of the genomic region encompassing exon 9 of the MYOM1 gene. While the exact position of the duplicated exons cannot be determined from this data, the duplicated copy of this region is likely in tandem and in-frame, therefore preserving the integrity of the reading frame. This variant has not been reported in the literature in individuals with a MYOM1-related disease. For these reasons, this duplication has been classified as a Variant of Uncertain Significance.

NC_000018.9:g.(?_3168815)_(3168979_?)dup

Gene: MYOM1 (myomesin 1; minus strand). Cytogenetic location: 18p11.31.
Variant type: Duplication.
Identifiers: ClinVar variation 417520 (VCV000417520.1).